The following is an entry in ClinVar:

NM_004100.5(EYA4):c.148A>T (p.Ser50Cys)

Gene: EYA4 (EYA transcriptional coactivator and phosphatase 4; plus strand). Cytogenetic location: 6q23.2.
Variant type: single nucleotide variant.
Coding change: c.148A>T on transcript NM_004100.5 (MANE Select); coding-DNA position 148, A replaced by T.
Protein change: p.Ser50Cys; replaces serine 50 with cysteine.
Molecular consequence: missense variant.
Genome position (GRCh38, 1-based): chr6:133,446,694, A>T. VCF-style: chr6-133446694-A-T. GRCh37 (hg19) VCF-style: chr6-133767832-A-T.
Other names: c.148A>T, p.Ser50Cys (NM_001301012.2, NM_001301013.2, NM_001370458.1 and 3 more transcripts); short protein forms S50C.
Identifiers: ClinVar variation 647739 (VCV000647739.14), dbSNP rs932450184, ClinGen allele CA148398778.
Genomic context (GRCh38, chr6:133,446,694, plus strand): 5'-ATGGAAATGCAGGACCTAGCAAGTCCTCATACTCTTGTTGGAGGTGGTGATACTCCAGGT[A>T]GCTCCAAACTGGAAAAATCTAATCTCAGCAGCACATCAGTTACTACAAATGGGACAGGAG-3'
Protein context (NP_004091.3, residues 40-60): TLVGGGDTPG[Ser50Cys]SKLEKSNLSS

ClinVar aggregate classification (germline): Uncertain significance. Review status: criteria provided, multiple submitters, no conflicts (2 of 4 stars). 4 submissions from 4 submitters: Uncertain significance (4). Last evaluated 2025-05-24.

Conditions:
Cardiovascular phenotype. Identifiers: MedGen CN230736.
Autosomal dominant nonsyndromic hearing loss 10. Identifiers: Orphanet 90635, MedGen C1832476, MONDO:0011031, OMIM 601316.
Dilated cardiomyopathy 1J (CMD1J). Also called: CARDIOMYOPATHY, DILATED, WITH SENSORINEURAL HEARING LOSS, AUTOSOMAL DOMINANT. Identifiers: Orphanet 217622, MedGen C1854368, MONDO:0011541, OMIM 605362.

Allele frequency attached by ClinVar (database versions not stated): TOPMed 0.00005; gnomAD 0.00006 and 0.00007.
gnomAD v4.1: 15 of 1,613,834 alleles (0.00093%); highest among the groups gnomAD compares: African/African-American, 0.02%; no homozygotes.

Submissions (4):

Ambry Genetics
Classification: Uncertain significance for Cardiovascular phenotype. Last evaluated: 2025-05-24. Review status: criteria provided, single submitter. Criteria: Ambry Variant Classification Scheme 2023. Collection method: clinical testing. Allele origin: germline.
Comment: The p.S50C variant (also known as c.148A>T), located in coding exon 3 of the EYA4 gene, results from an A to T substitution at nucleotide position 148. The serine at codon 50 is replaced by cysteine, an amino acid with dissimilar properties. This amino acid position is not well conserved in available vertebrate species. In addition, the in silico prediction for this alteration is inconclusive. Since supporting evidence is limited at this time, the clinical significance of this alteration remains unclear.

Labcorp Genetics (formerly Invitae), Labcorp
Classification: Uncertain significance for Dilated cardiomyopathy 1J. Last evaluated: 2024-10-02. Review status: criteria provided, single submitter. Criteria: Invitae Variant Classification Sherloc (09022015). Collection method: clinical testing. Allele origin: germline.
Comment: This sequence change replaces serine, which is neutral and polar, with cysteine, which is neutral and slightly polar, at codon 50 of the EYA4 protein (p.Ser50Cys). This variant is present in population databases (no rsID available, gnomAD 0.02%). This variant has not been reported in the literature in individuals affected with EYA4-related conditions. ClinVar contains an entry for this variant (Variation ID: 647739). An algorithm developed to predict the effect of missense changes on protein structure and function (PolyPhen-2) suggests that this variant is likely to be disruptive. In summary, the available evidence is currently insufficient to determine the role of this variant in disease. Therefore, it has been classified as a Variant of Uncertain Significance.

Fulgent Genetics
Classification: Uncertain significance for Autosomal dominant nonsyndromic hearing loss 10; Dilated cardiomyopathy 1J. Last evaluated: 2021-10-12. Review status: criteria provided, single submitter. Criteria: ACMG Guidelines, 2015. Collection method: clinical testing. Allele origin: unknown.

Breakthrough Genomics
Classification: Uncertain significance. Review status: criteria provided, single submitter. Criteria: ACMG Guidelines, 2015. Collection method: not provided. Allele origin: germline. Inheritance: Autosomal dominant inheritance. Affected: yes.